The following is an entry in ClinVar:

ClinVar aggregate classification (germline): Likely benign (1 of 4 stars; one submission).

Allele frequency attached by ClinVar (database versions not stated): gnomAD exomes 0.00001.
gnomAD v4.1: 6 of 1,613,956 alleles (0.00037%); highest among the groups gnomAD compares: South Asian, 0.0011%; no homozygotes.

Submission:

CeGaT Center for Human Genetics Tuebingen
Classification: Likely benign. Last evaluated: 2022-11-01. Review status: criteria provided, single submitter. Criteria: CeGaT Center For Human Genetics Tuebingen Variant Classification Criteria Version 2. Collection method: clinical testing. Allele origin: germline. Affected: yes. Observed: 1 variant allele.
Comment: HTT: BP4, BP7

NM_001388492.1(HTT):c.8256C>T (p.Val2752=)

Gene: HTT (huntingtin; plus strand). Cytogenetic location: 4p16.3.
Variant type: single nucleotide variant.
Coding change: c.8256C>T on transcript NM_001388492.1 (MANE Select); coding-DNA position 8256, C replaced by T.
Protein change: p.Val2752=; no amino-acid change (valine 2752 retained).
Molecular consequence: synonymous variant.
Genome position (GRCh38, 1-based): chr4:3,230,033, C>T. VCF-style: chr4-3230033-C-T. GRCh37 (hg19) VCF-style: chr4-3231760-C-T.
Other names: c.8262C>T, p.Val2754= (NM_002111.8).
Identifiers: ClinVar variation 2654597 (VCV002654597.24), dbSNP rs1560604724, ClinGen allele CA438136542.